The following is an entry in ClinVar:

NM_013280.5(FLRT1):c.786G>A (p.Ala262=)

Genes: FLRT1 (fibronectin leucine rich transmembrane protein 1; plus strand), MACROD1 (mono-ADP ribosylhydrolase 1; minus strand). Cytogenetic location: 11q13.1.
Variant type: single nucleotide variant.
Coding change: c.786G>A on transcript NM_013280.5 (MANE Select); coding-DNA position 786, G replaced by A.
Protein change: p.Ala262=; no amino-acid change (alanine 262 retained).
Molecular consequence: synonymous variant. On other transcripts: intron variant (2).
Genome position (GRCh38, 1-based): chr11:64,117,053, G>A. VCF-style: chr11-64117053-G-A. GRCh37 (hg19) VCF-style: chr11-63884525-G-A.
Other names: c.786G>A, p.Ala262= (NM_001384466.1); c.702G>A, p.Ala234= (NM_001423967.1); c.517+34186C>T (NM_001411019.1, NM_014067.4).
Identifiers: ClinVar variation 703822 (VCV000703822.12), dbSNP rs145828331, ClinGen allele CA6067549.

ClinVar aggregate classification (germline): Benign. Review status: criteria provided, single submitter (1 of 4 stars). 2 submissions from 2 submitters: Benign (1). 1 of the submissions does not count toward it. Last evaluated 2025-09-15.

Conditions:
FLRT1-related disorder. Also called: FLRT1-related condition.
Peripheral neuropathy. Also called: Neuropathy. Identifiers: MedGen C0031117, MONDO:0005244, HP:0009830.

Allele frequency attached by ClinVar (database versions not stated): gnomAD exomes 0.00017 and 0.00053; ExAC 0.00077; 1000 Genomes Project 0.00140; 1000 Genomes Project 30x 0.00156; TOPMed 0.00205; gnomAD 0.00220 and 0.00234; ESP Exome Variant Server 0.00277.
gnomAD v4.1: 583 of 1,604,506 alleles (0.036%); highest among the groups gnomAD compares: African/African-American, 0.72%; 3 homozygotes.

Submissions (2):

Labcorp Genetics (formerly Invitae), Labcorp
Classification: Benign for Peripheral neuropathy. Last evaluated: 2025-09-15. Review status: criteria provided, single submitter. Criteria: Invitae Variant Classification Sherloc (09022015). Collection method: clinical testing. Allele origin: germline.

PreventionGenetics, part of Exact Sciences
Classification: Likely benign for FLRT1-related condition. Last evaluated: 2024-07-29. Review status: no assertion criteria provided. Collection method: clinical testing. Allele origin: germline. Not counted in ClinVar's aggregate classification.
Comment: This variant is classified as likely benign based on ACMG/AMP sequence variant interpretation guidelines (Richards et al. 2015 PMID: 25741868, with internal and published modifications).